The following is an entry in ClinVar:

ClinVar aggregate classification (germline): Conflicting classifications of pathogenicity. Review status: criteria provided, conflicting classifications (1 of 4 stars). 3 submissions from 3 submitters: Likely pathogenic (1); Uncertain significance (2). Last evaluated 2025-01-27.

Conditions:
Hypertrophic cardiomyopathy. Also called: HYPERTROPHIC MYOCARDIOPATHY. Identifiers: Orphanet 217569, MedGen C0007194, MeSH D002312, MONDO:0005045, HP:0001639.
Cardiomyopathy (CMYO). Also called: Cardiomyopathies. Identifiers: Orphanet 167848, MedGen C0878544, MONDO:0004994, HP:0001638. Inheritance: Various modes of inheritance.

gnomAD v4.1: 2 of 1,614,262 alleles (0.00012%); no homozygotes.

Submissions (3):

Color Diagnostics, LLC DBA Color Health
Classification: Uncertain significance for Cardiomyopathy. Last evaluated: 2025-01-27. Review status: criteria provided, single submitter. Criteria: ACMG Guidelines, 2015. Collection method: clinical testing. Allele origin: germline.
Comment: This missense variant replaces glutamic acid with aspartic acid at codon 1914 of the MYH7 protein. Computational prediction suggests that this variant may have a deleterious impact on protein structure and function. To our knowledge, functional studies have not been reported for this variant. This variant has not been reported in individuals affected with MYH7-related disorders in the literature. A different variant affecting the same codon, p.Glu1914Lys, is considered to be disease-causing (ClinVar variation ID: 43088), suggesting that glutamic acid at this position is important for the MYH7 function. This variant has not been identified in the general population by the Genome Aggregation Database (gnomAD). The available evidence is insufficient to determine the role of this variant in disease conclusively. Therefore, this variant is classified as a Variant of Uncertain Significance.

All of Us Research Program, National Institutes of Health
Classification: Uncertain significance for Cardiomyopathy. Last evaluated: 2023-11-20. Review status: criteria provided, single submitter. Criteria: ACMG Guidelines, 2015. Collection method: clinical testing. Allele origin: germline. Inheritance: Autosomal dominant inheritance. Observed: 1 variant allele, 1 heterozygote.
Comment: This missense variant replaces glutamic acid with aspartic acid at codon 1914 of the MYH7 protein. Computational prediction suggests that this variant may have deleterious impact on protein structure and function (internally defined REVEL score threshold >= 0.7, PMID: 27666373). To our knowledge, functional studies have not been reported for this variant. This variant has not been reported in individuals affected with MYH7-related disorders in the literature. This variant has not been identified in the general population by the Genome Aggregation Database (gnomAD). The available evidence is insufficient to determine the role of this variant in disease conclusively. Therefore, this variant is classified as a Variant of Uncertain Significance.

This study involves interpretation of variants in research participants for the purpose of population health screening. Participant phenotype was not available at the time of variant classification. Additional details can be found in publication PMID: 35346344, PMCID: PMC8962531

Labcorp Genetics (formerly Invitae), Labcorp
Classification: Likely pathogenic for Hypertrophic cardiomyopathy. Last evaluated: 2023-07-13. Review status: criteria provided, single submitter. Criteria: Invitae Variant Classification Sherloc (09022015). Collection method: clinical testing. Allele origin: germline.
Comment: ClinVar contains an entry for this variant (Variation ID: 1503875). In summary, the currently available evidence indicates that the variant is pathogenic, but additional data are needed to prove that conclusively. Therefore, this variant has been classified as Likely Pathogenic. This variant disrupts the p.Glu1914 amino acid residue in MYH7. Other variant(s) that disrupt this residue have been determined to be pathogenic (PMID: 24664454, 28855170, 30996762). This suggests that this residue is clinically significant, and that variants that disrupt this residue are likely to be disease-causing. Advanced modeling of protein sequence and biophysical properties (such as structural, functional, and spatial information, amino acid conservation, physicochemical variation, residue mobility, and thermodynamic stability) performed at Invitae indicates that this missense variant is expected to disrupt MYH7 protein function. This variant has not been reported in the literature in individuals affected with MYH7-related conditions. This variant is not present in population databases (gnomAD no frequency). This sequence change replaces glutamic acid, which is acidic and polar, with aspartic acid, which is acidic and polar, at codon 1914 of the MYH7 protein (p.Glu1914Asp).

Literature cited by the submitters: PubMed 24664454 (cited by Labcorp Genetics (formerly Invitae), Labcorp); PubMed 28855170 (cited by Labcorp Genetics (formerly Invitae), Labcorp); PubMed 30996762 (cited by Labcorp Genetics (formerly Invitae), Labcorp).

NM_000257.4(MYH7):c.5742G>T (p.Glu1914Asp)

Gene: MYH7 (myosin heavy chain 7; minus strand). Cytogenetic location: 14q11.2.
Variant type: single nucleotide variant.
Coding change: c.5742G>T on transcript NM_000257.4 (MANE Select); coding-DNA position 5742, G replaced by T.
Protein change: p.Glu1914Asp; replaces glutamic acid 1914 with aspartic acid.
Molecular consequence: missense variant.
Genome position (GRCh38, 1-based): chr14:23,413,807, C>A on the plus strand (G>T on the coding strand, the complement: MYH7 is on the minus strand). VCF-style: chr14-23413807-C-A. GRCh37 (hg19) VCF-style: chr14-23883016-C-A.
Other names: short protein forms E1914D.
Identifiers: ClinVar variation 1503875 (VCV001503875.8), dbSNP rs2138635168, ClinGen allele CA389034571.